The following is an entry in ClinVar:

NM_000284.4(PDHA1):c.730_731del (p.Lys244fs)

Gene: PDHA1 (pyruvate dehydrogenase E1 subunit alpha 1; plus strand). Cytogenetic location: Xp22.12.
Variant type: Deletion.
Coding change: c.730_731del on transcript NM_000284.4 (MANE Select); coding-DNA positions 730 to 731, 2 bases deleted (AA; older notation c.730_731delAA).
Protein change: p.Lys244fs; shifts the reading frame from lysine 244.
Molecular consequence: frameshift variant.
Genome position (GRCh38, 1-based): chrX:19,355,475-19,355,476, AA deleted. VCF-style (leftmost placement, unchanged base first): chrX-19355474-CAA-C. GRCh37 (hg19) VCF-style: chrX-19373592-CAA-C.
Other names: c.844_845del, p.Lys282fs (NM_001173454.2); c.751_752del, p.Lys251fs (NM_001173455.2); c.637_638del, p.Lys213fs (NM_001173456.2); short protein forms K213fs, K244fs, K251fs, K282fs.
Identifiers: ClinVar variation 4070365 (VCV004070365.1).

ClinVar aggregate classification (germline): Pathogenic (0 of 4 stars; one submission).

Conditions:
Pyruvate dehydrogenase E1-alpha deficiency (PDHAD). Also called: ATAXIA, INTERMITTENT, WITH PYRUVATE DEHYDROGENASE DEFICIENCY; ATAXIA WITH LACTIC ACIDOSIS I; ATAXIA, INTERMITTENT, WITH ABNORMAL PYRUVATE METABOLISM; Ataxia, intermittent, with pyruvate dehydrogenase, or decarboxylase, deficiency. Identifiers: Orphanet 79243, MedGen C1839413, MONDO:0010717, OMIM 312170.

Submission:

PDHA1 Study Group, University Children’s Hospital, Paracelsus Medical University
Classification: Pathogenic for Pyruvate dehydrogenase E1-alpha deficiency. Last evaluated: 2024-10-15. Review status: no assertion criteria provided. Collection method: research. Allele origin: de novo. Affected: yes. Observed: 1 variant allele.
Comment: The NM_000284.3:c.730_731del (p.Lys244GlufsTer30) change is a frameshift variant in PDHA1 gene. This variant is predicted to result in nonsense-mediated decay (NMD). Among them, 1 case had confirmed de novo occurrence. Last literature search: July 12, 2024. This variant is absent or extremely rare in population-based cohorts in the Genome Aggregation Database (gnomAD). Individuals harboring this variant presented with clinical features compatible with PDHA1-related PDHc deficiency. In summary, this variant meets criteria to be classified as pathogenic (P) for PDHA1-related PDHc deficiency based on the ACMG/AMP criteria applied: PVS1, PS2, PM2 (last assessment October 15, 2024).

Literature cited by the submitters: DOI 10.1093/brain/awaf430.